The following is an entry in ClinVar:

ClinVar aggregate classification (germline): Uncertain significance (1 of 4 stars; one submission).

Conditions:
Adams-Oliver syndrome 4 (AOS4). Identifiers: Orphanet 974, MedGen C3809092, MONDO:0014124, OMIM 615297.

Allele frequency attached by ClinVar (database versions not stated): TOPMed 0.00001; ExAC 0.00002; gnomAD exomes 0.00003.
gnomAD v4.1: 53 of 1,614,112 alleles (0.0033%); highest among the groups gnomAD compares: Non-Finnish European, 0.0039%; no homozygotes.

Submission:

Labcorp Genetics (formerly Invitae), Labcorp
Classification: Uncertain significance for Adams-Oliver syndrome 4. Last evaluated: 2022-11-15. Review status: criteria provided, single submitter. Criteria: Invitae Variant Classification Sherloc (09022015). Collection method: clinical testing. Allele origin: germline.
Comment: In summary, the available evidence is currently insufficient to determine the role of this variant in disease. Therefore, it has been classified as a Variant of Uncertain Significance. Advanced modeling of protein sequence and biophysical properties (such as structural, functional, and spatial information, amino acid conservation, physicochemical variation, residue mobility, and thermodynamic stability) performed at Invitae indicates that this missense variant is not expected to disrupt EOGT protein function. This variant has not been reported in the literature in individuals affected with EOGT-related conditions. This variant is present in population databases (rs369664601, gnomAD 0.007%). This sequence change replaces tyrosine, which is neutral and polar, with histidine, which is basic and polar, at codon 94 of the EOGT protein (p.Tyr94His).

NM_001278689.2(EOGT):c.280T>C (p.Tyr94His)

Gene: EOGT (EGF domain specific O-linked N-acetylglucosamine transferase; minus strand). Cytogenetic location: 3p14.1.
Variant type: single nucleotide variant.
Coding change: c.280T>C on transcript NM_001278689.2 (MANE Select); coding-DNA position 280, T replaced by C.
Protein change: p.Tyr94His; replaces tyrosine 94 with histidine.
Molecular consequence: missense variant. On other transcripts: non-coding transcript variant (1).
Genome position (GRCh38, 1-based): chr3:69,008,459, A>G on the plus strand (T>C on the coding strand, the complement: EOGT is on the minus strand). VCF-style: chr3-69008459-A-G. GRCh37 (hg19) VCF-style: chr3-69057610-A-G.
Other names: c.280T>C, p.Tyr94His (NM_173654.3); short protein forms Y94H.
Identifiers: ClinVar variation 2151612 (VCV002151612.4), dbSNP rs369664601, ClinGen allele CA2486998.